The following is an entry in ClinVar:

NM_003119.4(SPG7):c.1844A>G (p.His615Arg)

Gene: SPG7 (SPG7 matrix AAA peptidase subunit, paraplegin; plus strand). Cytogenetic location: 16q24.3.
Variant type: single nucleotide variant.
Coding change: c.1844A>G on transcript NM_003119.4 (MANE Select); coding-DNA position 1844, A replaced by G.
Protein change: p.His615Arg; replaces histidine 615 with arginine.
Molecular consequence: missense variant.
Genome position (GRCh38, 1-based): chr16:89,553,043, A>G. VCF-style: chr16-89553043-A-G. GRCh37 (hg19) VCF-style: chr16-89619451-A-G.
Other names: c.1844A>G, p.His615Arg (NM_001363850.1); short protein forms H615R.
Identifiers: ClinVar variation 1386860 (VCV001386860.6), dbSNP rs2152411864, ClinGen allele CA397432628.

ClinVar aggregate classification (germline): Uncertain significance (1 of 4 stars; one submission).

Conditions:
Hereditary spastic paraplegia 7 (SPG7). Also called: Autosomal recessive spastic paraplegia type 7; SPG7-related neurologic disorder; SPASTIC PARAPLEGIA 7, AUTOSOMAL RECESSIVE, WITH OR WITHOUT CEREBELLAR ATAXIA; Spastic paraplegia 7; Hereditary spastic paraplegia Paraplegin type. Identifiers: Orphanet 99013, MedGen C1846564, MONDO:0011803, OMIM 607259.

Submission:

Labcorp Genetics (formerly Invitae), Labcorp
Classification: Uncertain significance for Hereditary spastic paraplegia 7. Last evaluated: 2023-05-15. Review status: criteria provided, single submitter. Criteria: Invitae Variant Classification Sherloc (09022015). Collection method: clinical testing. Allele origin: germline.
Comment: ClinVar contains an entry for this variant (Variation ID: 1386860). This variant has not been reported in the literature in individuals affected with SPG7-related conditions. This variant is not present in population databases (gnomAD no frequency). This sequence change replaces histidine, which is basic and polar, with arginine, which is basic and polar, at codon 615 of the SPG7 protein (p.His615Arg). In summary, the available evidence is currently insufficient to determine the role of this variant in disease. Therefore, it has been classified as a Variant of Uncertain Significance. Advanced modeling of protein sequence and biophysical properties (such as structural, functional, and spatial information, amino acid conservation, physicochemical variation, residue mobility, and thermodynamic stability) performed at Invitae indicates that this missense variant is not expected to disrupt SPG7 protein function.